The following is an entry in ClinVar:

ClinVar aggregate classification (germline): Uncertain significance. Review status: criteria provided, multiple submitters, no conflicts (2 of 4 stars). 2 submissions from 2 submitters: Uncertain significance (2). Last evaluated 2019-12-11.

Conditions:
Cardiovascular phenotype. Identifiers: MedGen CN230736.

Allele frequency attached by ClinVar (database versions not stated): gnomAD exomes below 0.00001; ExAC 0.00001; gnomAD 0.00001; TOPMed 0.00001.
gnomAD v4.1: 3 of 1,613,238 alleles (0.00019%); highest among the groups gnomAD compares: African/African-American, 0.004%; no homozygotes.

Submissions (2):

Ambry Genetics
Classification: Uncertain significance for Cardiovascular phenotype. Last evaluated: 2019-12-11. Review status: criteria provided, single submitter. Criteria: Ambry Variant Classification Scheme 2023. Collection method: clinical testing. Allele origin: germline.
Comment: The p.E5152K variant (also known as c.15454G>A), located in coding exon 58 of the TTN gene, results from a G to A substitution at nucleotide position 15454. The glutamic acid at codon 5152 is replaced by lysine, an amino acid with similar properties. This amino acid position is not well conserved in available vertebrate species. In addition, this alteration is predicted to be tolerated by in silico analysis. Since supporting evidence is limited at this time, the clinical significance of this alteration remains unclear.

Laboratory for Molecular Medicine, Mass General Brigham Personalized Medicine
Classification: Uncertain significance. Last evaluated: 2014-03-24. Review status: criteria provided, single submitter. Criteria: LMM Criteria. Collection method: clinical testing. Allele origin: germline. Observed: 1 variant allele.
Comment: Variant classified as Uncertain Significance - Favor Benign. The Glu11649Lys var iant in TTN has not been previously reported in individuals with cardiomyopathy or in large population studies. Computational prediction tools and conservation analysis suggest that this variant may not impact the protein, with most mammals and other species carrying a different amino acid at this position. However, th is information is not predictive enough to rule out pathogenicity. At this time, additional information is needed to fully assess the clinical significance of t he Glu11649Lys variant.

NM_001267550.2(TTN):c.42649G>A (p.Glu14217Lys)

Gene: TTN (titin; minus strand). Cytogenetic location: 2q31.2.
Variant type: single nucleotide variant.
Coding change: c.42649G>A on transcript NM_001267550.2 (MANE Select); coding-DNA position 42649, G replaced by A.
Protein change: p.Glu14217Lys; replaces glutamic acid 14217 with lysine.
Molecular consequence: missense variant.
Genome position (GRCh38, 1-based): chr2:178,633,850, C>T on the plus strand (G>A on the coding strand, the complement: TTN is on the minus strand). VCF-style: chr2-178633850-C-T. GRCh37 (hg19) VCF-style: chr2-179498577-C-T.
Other names: c.34945G>A, p.Glu11649Lys (NM_133378.4); c.37726G>A, p.Glu12576Lys (NM_001256850.1); c.15454G>A, p.Glu5152Lys (NM_003319.4); c.15829G>A, p.Glu5277Lys (NM_133432.3); c.16030G>A, p.Glu5344Lys (NM_133437.4); short protein forms E11649K, E14217K, E5277K, E12576K, E5152K, E5344K.
Identifiers: ClinVar variation 166063 (VCV000166063.7), dbSNP rs727503629, ClinGen allele CA178855.